The following is an entry in ClinVar:

NM_004444.5(EPHB4):c.569T>G (p.Leu190Arg)

Gene: EPHB4 (EPH receptor B4; minus strand). Cytogenetic location: 7q22.1.
Variant type: single nucleotide variant.
Coding change: c.569T>G on transcript NM_004444.5 (MANE Select); coding-DNA position 569, T replaced by G.
Protein change: p.Leu190Arg; replaces leucine 190 with arginine.
Molecular consequence: missense variant.
Genome position (GRCh38, 1-based): chr7:100,822,510, A>C on the plus strand (T>G on the coding strand, the complement: EPHB4 is on the minus strand). VCF-style: chr7-100822510-A-C. GRCh37 (hg19) VCF-style: chr7-100420132-A-C.
Other names: short protein forms L190R.
Identifiers: ClinVar variation 3372854 (VCV003372854.2).

ClinVar aggregate classification (germline): Uncertain significance. Review status: criteria provided, multiple submitters, no conflicts (2 of 4 stars). 2 submissions from 2 submitters: Uncertain significance (2). Last evaluated 2025-11-18.

Submissions (2):

Labcorp Genetics (formerly Invitae), Labcorp
Classification: Uncertain significance. Last evaluated: 2025-11-18. Review status: criteria provided, single submitter. Criteria: Invitae Variant Classification Sherloc (09022015). Collection method: clinical testing. Allele origin: germline.
Comment: This sequence change replaces leucine, which is neutral and non-polar, with arginine, which is basic and polar, at codon 190 of the EPHB4 protein (p.Leu190Arg). This variant is not present in population databases (gnomAD no frequency). This variant has not been reported in the literature in individuals affected with EPHB4-related conditions. ClinVar contains an entry for this variant (Variation ID: 3372854). Invitae Evidence Modeling of protein sequence and biophysical properties (such as structural, functional, and spatial information, amino acid conservation, physicochemical variation, residue mobility, and thermodynamic stability) has been performed for this missense variant. However, the output from this modeling did not meet the statistical confidence thresholds required to predict the impact of this variant on EPHB4 protein function. In summary, the available evidence is currently insufficient to determine the role of this variant in disease. Therefore, it has been classified as a Variant of Uncertain Significance.

GeneDx
Classification: Uncertain significance. Last evaluated: 2024-04-19. Review status: criteria provided, single submitter. Criteria: GeneDx Variant Classification Process June 2021. Collection method: clinical testing. Allele origin: germline. Affected: yes.
Comment: Not observed at significant frequency in large population cohorts (gnomAD); In silico analysis supports that this missense variant has a deleterious effect on protein structure/function; Has not been previously published as pathogenic or benign to our knowledge